The following is an entry in ClinVar:

ClinVar aggregate classification (germline): Pathogenic (0 of 4 stars; one submission).

Conditions:
Malignant tumor of breast. Also called: Malignant breast neoplasm; Cancer breast. Identifiers: MedGen C0006142, MONDO:0007254. Disease mechanism: loss of function.

Submission:

Department of Pathology and Laboratory Medicine, Sinai Health System
Classification: Pathogenic for Malignant tumor of breast. Review status: no assertion criteria provided. Collection method: clinical testing. Allele origin: unknown. Affected: yes. Study: The Canadian Open Genetics Repository (COGR).
Comment: The ATM c.3403-?_4436+?del variant (chr:11 g.108151722_108160528del GRCh37) results in a deletion of exons 24-29, although the precise breakpoints of this deletion were not determined nor were the effects of this variant on the resulting mRNA or protein product determined. The variant was not identified in the literature nor was it identified in the dbSNP, ClinVar, or LOVD 3.0 databases. The variant was not identified in the following control databases: the Exome Aggregation Consortium (August 8th 2016) or the Genome Aggregation Database (Feb 27, 2017). The c.3403-?_4436+?del variant is predicted to cause a frameshift. This alteration is then predicted to result in a truncated or absent protein and loss of function. Loss of function variants of the ATM gene are an established mechanism of disease in ATM-associated cancers and is the type of variant expected to cause the disorder. In summary, based on the above information, this variant meets our laboratoryâ€šÃ„Ã´s criteria to be classified as pathogenic.

NM_000051.4(ATM):c.3403-1_3577-680del

Gene: ATM (ATM serine/threonine kinase; plus strand). Cytogenetic location: 11q22.3.
Variant type: Deletion.
Coding change: c.3403-1_3577-680del on transcript NM_000051.4 (MANE Select); the canonical splice acceptor site of the intron before coding-DNA position 3403 through 680 bases into the intron before coding-DNA position 3577, 1,037 bases deleted.
Molecular consequence: splice acceptor variant, splice donor variant.
Genome position (GRCh38, 1-based): chr11:108,280,994-108,282,030, 1,037 bases deleted. GRCh37 (hg19): chr11:108,151,721-108,152,757.
Other names: c.3403-1_3577-680del (NM_001351834.2).
Identifiers: ClinVar variation 1049940 (VCV001049940.2), ClinGen allele CA2499220614.